The following is an entry in ClinVar:

NM_001035.3(RYR2):c.13783-6A>G

Gene: RYR2 (ryanodine receptor 2; plus strand). Cytogenetic location: 1q43.
Variant type: single nucleotide variant.
Coding change: c.13783-6A>G on transcript NM_001035.3 (MANE Select); 6 bases into the intron before coding-DNA position 13783, A replaced by G.
Molecular consequence: intron variant.
Genome position (GRCh38, 1-based): chr1:237,793,861, A>G. VCF-style: chr1-237793861-A-G. GRCh37 (hg19) VCF-style: chr1-237957161-A-G.
Other names: p.?.
Identifiers: ClinVar variation 43731 (VCV000043731.39), dbSNP rs790901, ClinGen allele CA008056.

ClinVar aggregate classification (germline): Benign. Review status: criteria provided, multiple submitters, no conflicts (2 of 4 stars). 19 submissions from 16 submitters: Benign (15). 4 of the submissions do not count toward it. Last evaluated 2026-02-04.

Conditions:
Cardiac arrhythmia. Also called: Arrhythmia; Cardiac rhythm disease. Identifiers: MedGen C0003811, MONDO:0007263, HP:0011675.
Cardiomyopathy (CMYO). Also called: Cardiomyopathies. Identifiers: Orphanet 167848, MedGen C0878544, MONDO:0004994, HP:0001638. Inheritance: Various modes of inheritance.
Catecholaminergic polymorphic ventricular tachycardia 1. Also called: VENTRICULAR TACHYCARDIA, CATECHOLAMINERGIC POLYMORPHIC, 1, WITH OR WITHOUT ATRIAL DYSFUNCTION AND/OR DILATED CARDIOMYOPATHY; VENTRICULAR TACHYCARDIA, STRESS-INDUCED POLYMORPHIC 1; RYR2-Related Catecholaminergic Polymorphic Ventricular Tachycardia. Identifiers: Orphanet 3286, MedGen C1631597, MONDO:0011484, OMIM 604772.
Arrhythmogenic right ventricular dysplasia 2. Identifiers: MedGen C1832931.

Allele frequency attached by ClinVar (database versions not stated): ESP Exome Variant Server 0.65138; gnomAD 0.66919 and 0.67871; TOPMed 0.67819; gnomAD exomes 0.69928 and 0.73789; ExAC 0.73989; 1000 Genomes Project 30x 0.74922; 1000 Genomes Project 0.75759.
gnomAD v4.1: 1,108,579 of 1,589,870 alleles (70%); highest among the groups gnomAD compares: East Asian, 95%; 391,473 homozygotes.

Submissions (19):

Labcorp Genetics (formerly Invitae), Labcorp
Classification: Benign for Catecholaminergic polymorphic ventricular tachycardia 1. Last evaluated: 2026-02-04. Review status: criteria provided, single submitter. Criteria: Invitae Variant Classification Sherloc (09022015). Collection method: clinical testing. Allele origin: germline.

Molecular Diagnostic Laboratory for Inherited Cardiovascular Disease, Montreal Heart Institute
Classification: Benign. Last evaluated: 2025-04-09. Review status: criteria provided, single submitter. Criteria: ACMG Guidelines, 2015. Collection method: clinical testing. Allele origin: germline. Affected: no.

Blueprint Genetics
Classification: Benign. Last evaluated: 2024-11-26. Review status: criteria provided, single submitter. Criteria: ACMG Guidelines, 2015. Collection method: clinical testing. Allele origin: germline.

Genome-Nilou Lab
Classification: Benign for Catecholaminergic polymorphic ventricular tachycardia 1. Last evaluated: 2021-11-07. Review status: criteria provided, single submitter. Criteria: ACMG Guidelines, 2015. Collection method: clinical testing. Allele origin: germline. Affected: no.

Genome-Nilou Lab
Classification: Benign for Ventricular arrhythmias due to cardiac ryanodine receptor calcium release deficiency syndrome. Last evaluated: 2021-11-07. Review status: criteria provided, single submitter. Criteria: ACMG Guidelines, 2015. Collection method: clinical testing. Allele origin: germline. Affected: no.

Genome-Nilou Lab
Classification: Benign for Catecholaminergic polymorphic ventricular tachycardia 1. Last evaluated: 2021-11-07. Review status: criteria provided, single submitter. Criteria: ACMG Guidelines, 2015. Collection method: clinical testing. Allele origin: germline. Affected: no.

Color Diagnostics, LLC DBA Color Health
Classification: Benign for Cardiomyopathy. Last evaluated: 2018-03-09. Review status: criteria provided, single submitter. Criteria: ACMG Guidelines, 2015. Collection method: clinical testing. Allele origin: germline.

Illumina Laboratory Services, Illumina
Classification: Benign for Catecholaminergic polymorphic ventricular tachycardia 1. Last evaluated: 2018-01-13. Review status: criteria provided, single submitter. Criteria: ICSL Variant Classification Criteria 13 December 2019. Collection method: clinical testing. Allele origin: germline.
Comment: This variant was observed in the ICSL laboratory as part of a predisposition screen in an ostensibly healthy population. It had not been previously curated by ICSL or reported in the Human Gene Mutation Database (HGMD: prior to June 1st, 2018), and was therefore a candidate for classification through an automated scoring system. Utilizing variant allele frequency, disease prevalence and penetrance estimates, and inheritance mode, an automated score was calculated to assess if this variant is too frequent to cause the disease. Based on the score and internal cut-off values, a variant classified as benign is not then subjected to further curation. The score for this variant resulted in a classification of benign for this disease.

Illumina Laboratory Services, Illumina
Classification: Benign for Catecholaminergic polymorphic ventricular tachycardia 1. Last evaluated: 2018-01-13. Review status: criteria provided, single submitter. Criteria: ICSL Variant Classification Criteria 13 December 2019. Collection method: clinical testing. Allele origin: germline.
Comment: the same text as in the submission from Illumina Laboratory Services, Illumina above.

Eurofins Ntd Llc (ga)
Classification: Benign. Last evaluated: 2014-09-15. Review status: criteria provided, single submitter. Criteria: EGL Classification Definitions 2015. Collection method: clinical testing. Allele origin: germline. Observed: 2 variant alleles, 1 heterozygote, 1 homozygote.

Mayo Clinic Laboratories, Mayo Clinic
Classification: Benign. Last evaluated: 2014-05-07. Review status: criteria provided, single submitter. Criteria: ACMG Guidelines, 2015. Collection method: clinical testing. Allele origin: germline. Observed: 1,169 variant alleles.

Laboratory for Molecular Medicine, Mass General Brigham Personalized Medicine
Classification: Benign. Last evaluated: 2011-09-16. Review status: criteria provided, single submitter. Criteria: LMM Criteria. Collection method: clinical testing. Allele origin: germline. Observed: 1,602 variant alleles.

GeneDx
Classification: Benign. Last evaluated: 2011-07-07. Review status: criteria provided, single submitter. Criteria: GeneDx Variant Classification (06012015). Collection method: clinical testing. Allele origin: germline. Affected: yes.
Comment: This variant is considered likely benign or benign based on one or more of the following criteria: it is a conservative change, it occurs at a poorly conserved position in the protein, it is predicted to be benign by multiple in silico algorithms, and/or has population frequency not consistent with disease.

Breakthrough Genomics
Classification: Benign. Review status: criteria provided, single submitter. Criteria: ACMG Guidelines, 2015. Collection method: not provided. Allele origin: germline. Inheritance: Autosomal dominant inheritance. Affected: yes.

PreventionGenetics, part of Exact Sciences
Classification: Benign. Review status: criteria provided, single submitter. Criteria: ACMG Guidelines, 2015. Collection method: clinical testing. Allele origin: germline.

Clinical Genetics, Academic Medical Center
Classification: Benign. Review status: no assertion criteria provided. Collection method: clinical testing. Allele origin: germline. Affected: yes. Study: VKGL Data-share Consensus. Not counted in ClinVar's aggregate classification.

Diagnostic Laboratory, Department of Genetics, University Medical Center Groningen
Classification: Benign. Review status: no assertion criteria provided. Collection method: clinical testing. Allele origin: germline. Affected: yes. Study: VKGL Data-share Consensus. Not counted in ClinVar's aggregate classification.

Genome Diagnostics Laboratory, University Medical Center Utrecht
Classification: Benign. Review status: no assertion criteria provided. Collection method: clinical testing. Allele origin: germline. Affected: yes. Study: VKGL Data-share Consensus. Not counted in ClinVar's aggregate classification.

Joint Genome Diagnostic Labs from Nijmegen and Maastricht, Radboudumc and MUMC+
Classification: Benign. Review status: no assertion criteria provided. Collection method: clinical testing. Allele origin: germline. Affected: yes. Study: VKGL Data-share Consensus. Not counted in ClinVar's aggregate classification.